The following is an entry in ClinVar:

ClinVar aggregate classification (germline): Conflicting classifications of pathogenicity. Review status: criteria provided, conflicting classifications (1 of 4 stars). 6 submissions from 6 submitters: Pathogenic (2); Uncertain significance (2); Likely benign (2). Last evaluated 2025-09-10.

Conditions:
Angelman syndrome-like. Identifiers: MedGen CN128785.
Developmental and epileptic encephalopathy, 2 (DEE2). Also called: CDKL5 deficiency disorder; INFANTILE SPASM SYNDROME, X-LINKED 2. Identifiers: Orphanet 1934, Orphanet 3451, Orphanet 505652, MedGen C4750718, MONDO:0010396, OMIM 300672.

Allele frequency attached by ClinVar (database versions not stated): gnomAD exomes below 0.00001; gnomAD 0.00001; TOPMed below 0.00001.

Submissions (6):

Genomic Medicine Center of Excellence, King Faisal Specialist Hospital and Research Centre
Classification: Uncertain significance for Developmental and epileptic encephalopathy, 2. Last evaluated: 2025-09-10. Review status: criteria provided, single submitter. Criteria: ACMG Guidelines, 2015. Collection method: clinical testing. Allele origin: germline.

Labcorp Genetics (formerly Invitae), Labcorp
Classification: Likely benign for Developmental and epileptic encephalopathy, 2; Angelman syndrome-like. Last evaluated: 2024-10-17. Review status: criteria provided, single submitter. Criteria: Invitae Variant Classification Sherloc (09022015). Collection method: clinical testing. Allele origin: germline.

Dubai Health Genomic Medicine Center, Dubai Health
Classification: Pathogenic for Developmental and epileptic encephalopathy 2. Last evaluated: 2024-10-04. Review status: criteria provided, single submitter. Criteria: ACMG Guidelines, 2015. Collection method: research. Allele origin: germline. Affected: yes.
Comment: PVS1, PM2, PP4, PS4_Supporting

3billion
Classification: Pathogenic for Developmental and epileptic encephalopathy, 2. Last evaluated: 2023-08-14. Review status: criteria provided, single submitter. Criteria: ACMG Guidelines, 2015. Collection method: clinical testing. Allele origin: germline. Affected: yes.
Comment: The variant is not observed in the gnomAD v2.1.1 dataset. Predicted Consequence/Location: Stop-gained (nonsense): predicted to result in a loss or disruption of normal protein function through nonsense-mediated decay (NMD) or protein truncation. The variant has been reported to be associated with CDKL5 related disorder (ClinVar ID: VCV001030634 /PMID: 30624022). Therefore, this variant is classified as Likely pathogenic according to the recommendation of ACMG/AMP guideline.

Blueprint Genetics
Classification: Likely benign. Last evaluated: 2021-03-22. Review status: criteria provided, single submitter. Criteria: ACMG Guidelines, 2015. Collection method: clinical testing. Allele origin: germline.

Baylor Genetics
Classification: Uncertain significance for Developmental and epileptic encephalopathy, 2. Last evaluated: 2019-11-15. Review status: criteria provided, single submitter. Criteria: ACMG Guidelines, 2015. Collection method: clinical testing. Allele origin: unknown. Affected: yes.
Comment: This variant was determined to be of uncertain significance according to ACMG Guidelines, 2015 [PMID:25741868]. Although predicted loss-of-function variants were identified in both males and females with EIEE2, the c.2809_2810insA (p.C937*) variant has been identified in asymptomatic females [PMID: 30624022]

Literature cited by the submitters: PubMed 30624022 (cited by 3billion and Baylor Genetics).

NM_003159.3(CDKL5):c.2809_2810insA (p.Cys937Ter)

Genes: CDKL5 (cyclin dependent kinase like 5; plus strand), RS1 (retinoschisin 1; minus strand). Cytogenetic location: Xp22.13.
Variant type: Insertion.
Coding change: c.2809_2810insA on transcript NM_003159.3; coding-DNA positions 2809 to 2810, A inserted.
Protein change: p.Cys937Ter; replaces cysteine 937 with a stop codon.
Molecular consequence: nonsense. On other transcripts: intron variant (1).
Genome position: GRCh38 VCF-style: chrX-18650421-T-TA. GRCh37 (hg19) VCF-style: chrX-18668541-T-TA.
Other names: c.2809_2810insA, p.Cys937Ter (NM_001037343.2); c.185-3090_185-3089insT (NM_000330.4); short protein forms C937*.
Identifiers: ClinVar variation 1030634 (VCV001030634.10), dbSNP rs1158418673, ClinGen allele CA873680756.